The following is an entry in ClinVar:

Single allele

Genes: MTR (5-methyltetrahydrofolate-homocysteine methyltransferase; plus strand), LOC122152347 (Sharpr-MPRA regulatory region 3741; plus strand). Cytogenetic location: 1q43.
Variant type: Deletion.
Identifiers: ClinVar variation 156771 (VCV000156771.2).

ClinVar aggregate classification (germline): not provided (0 of 4 stars; one submission).

Conditions:
Large for gestational age. Identifiers: MedGen C1848395, HP:0001520.

Submission:

Institute of Molecular and Cell Biology, University of Tartu
No classification provided. Condition: Large for gestational age. Review status: no classification provided. Collection method: case-control. Allele origin: unknown. Affected: yes. Study: Kasak2014.
Comment: The study aimed to determine the contribution of copy number variants in the genetic etiology of normal and complicated pregnancies. The samples represented (i) maternal blood DNA drawn from healthy pregnant women during 1st or 2nd trimester and (ii) maternal and paternal blood DNA drawn at term pregnancy cases representing normal and complicated gestations (severe preeclampsia, PE; gestational diabetes, GD; small-for-gestational age newborn, SGA; large-for-gestational age newborn, LGA). We performed CNV calling based on genome-wide genotyping dataset (Illumina HumanOmniExpress-24-v1 BeadChip) by applying three algorithms, QuantiSNP, GADA (Genome Alteration Detection Algorithm) and CNstream in parallel. The acquired CNV calls were merged with HD-CNV (Hotspot Detector for Copy Number Variants) program and only the CNVs predicted by at least two programs, were considered in subsequent analysis.

Literature cited by the submitters: PubMed 25666259.